The following is an entry in ClinVar:

ClinVar aggregate classification (germline): Pathogenic/Likely pathogenic. Review status: criteria provided, multiple submitters, no conflicts (2 of 4 stars). 10 submissions from 8 submitters: Pathogenic (6); Likely pathogenic (1). 3 of the submissions do not count toward it. Last evaluated 2026-01-25.

Conditions:
Multiple monogenic benign skin tumours.
CYLD-related disorder. Also called: CYLD-related condition.
Familial cylindromatosis. Also called: ANCELL-SPIEGLER CYLINDROMAS; Turban tumor syndrome. Identifiers: Orphanet 211, Orphanet 79493, MedGen C1851526, MONDO:0007565, OMIM 132700.
Trichoepithelioma, multiple familial, 1 (MFT1). Also called: BROOKE-FORDYCE TRICHOEPITHELIOMAS; EPITHELIOMA ADENOIDES CYSTICUM OF BROOKE; EPITHELIOMA, HEREDITARY MULTIPLE BENIGN CYSTIC. Identifiers: MedGen CN296585, MONDO:0042977, OMIM 601606.
Brooke-Spiegler syndrome. Also called: CYLD Cutaneous Syndrome. Identifiers: Orphanet 79493, MedGen C1857941, MONDO:0011512, OMIM 605041.
Frontotemporal dementia and/or amyotrophic lateral sclerosis 8. Identifiers: MedGen C5436881, MONDO:0030872, OMIM 619132.
Familial multiple trichoepitheliomata. Also called: Familial multiple trichoepithelioma. Identifiers: Orphanet 79493, Orphanet 867, MedGen C1275122, MONDO:0011114.

gnomAD v4.1: 1 of 1,613,922 alleles (0.000062%); highest among the groups gnomAD compares: Non-Finnish European, 0.000085%; no homozygotes.

Submissions (10):

Labcorp Genetics (formerly Invitae), Labcorp
Classification: Pathogenic. Last evaluated: 2026-01-25. Review status: criteria provided, single submitter. Criteria: Invitae Variant Classification Sherloc (09022015). Collection method: clinical testing. Allele origin: germline.
Comment: This sequence change creates a premature translational stop signal (p.Arg936*) in the CYLD gene. While this is not anticipated to result in nonsense mediated decay, it is expected to disrupt the last 21 amino acid(s) of the CYLD protein. This variant is not present in population databases (gnomAD no frequency). This premature translational stop signal has been observed in individuals with Brooke–Spiegler syndrome, cylindromatosis, and/or multiple familial trichoepitheliomas (PMID: 10835629, 23249834, 23584127). It has also been observed to segregate with disease in related individuals. ClinVar contains an entry for this variant (Variation ID: 5259). For these reasons, this variant has been classified as Pathogenic.

Genetics Laboratory, Great Ormond Street Hospital NHS Foundation Trust, North Thames Genomic Laboratory Hub
Classification: Likely pathogenic for Multiple monogenic benign skin tumours. Last evaluated: 2025-10-14. Review status: criteria provided, single submitter. Criteria: ACGS Best Practice Guidelines for Variant Classification in Rare Disease 2024 v1.2. Collection method: clinical testing. Allele origin: germline. Affected: yes.
Comment: PS4_moderate, PM2_supporting, PVS1_moderate, PP4_supporting

Department of Clinical Genetics, Copenhagen University Hospital, Rigshospitalet
Classification: Pathogenic for Brooke-Spiegler syndrome. Last evaluated: 2025-03-24. Review status: criteria provided, single submitter. Criteria: ACMG Guidelines, 2015. Collection method: clinical testing. Allele origin: germline.
Comment: The following ACMG criteria has been used: PVS1, PM2_sup, PP4_M

PreventionGenetics, part of Exact Sciences
Classification: Pathogenic for CYLD-related condition. Last evaluated: 2025-03-06. Review status: criteria provided, single submitter. Criteria: ACMG Guidelines, 2015. Collection method: clinical testing. Allele origin: germline.
Comment: The CYLD c.2806C>T variant is predicted to result in premature protein termination (p.Arg936*). This variant has been reported in individuals with Brooke-Spiegler syndrome, multiple familial trichoepithelioma 1, and/or familial cylindromatosis (see for example: Bignell et al. 2000. PubMed ID: 10835629; Grossmann et al. 2013. PubMed ID: 23249834; Nagy et al. 2013. PubMed ID: 23584127). This variant has not been reported in a large population database (gnomAD), indicating this variant is rare. Nonsense variants in CYLD are expected to be pathogenic. This variant is interpreted as pathogenic.

Fulgent Genetics
Classification: Pathogenic for Familial cylindromatosis; Trichoepithelioma, multiple familial, 1; Brooke-Spiegler syndrome; Frontotemporal dementia and/or amyotrophic lateral sclerosis 8. Last evaluated: 2021-12-31. Review status: criteria provided, single submitter. Criteria: ACMG Guidelines, 2015. Collection method: clinical testing. Allele origin: unknown.

Blueprint Genetics
Classification: Pathogenic for CYLD-related disorders. Last evaluated: 2021-04-16. Review status: criteria provided, single submitter. Criteria: ACMG Guidelines, 2015. Collection method: clinical testing. Allele origin: germline. Affected: yes. Observed: 1 variant allele.

Genomic Diagnostic Laboratory, Division of Genomic Diagnostics, Children's Hospital of Philadelphia
Classification: Pathogenic for Cylindromatosis, familial. Last evaluated: 2016-09-23. Review status: criteria provided, single submitter. Criteria: DGD Variant Analysis Guidelines. Collection method: clinical testing. Allele origin: germline. Affected: yes. Observed: 1 variant allele.
Comment: Clinical Testing

OMIM
Classification: Pathogenic for CYLINDROMATOSIS, FAMILIAL. Last evaluated: 2006-09-01. Review status: no assertion criteria provided. Collection method: literature only. Allele origin: germline. Not counted in ClinVar's aggregate classification.

OMIM
Classification: Pathogenic for TRICHOEPITHELIOMA, MULTIPLE FAMILIAL, 1. Last evaluated: 2006-09-01. Review status: no assertion criteria provided. Collection method: literature only. Allele origin: germline. Not counted in ClinVar's aggregate classification.

OMIM
Classification: Pathogenic for BROOKE-SPIEGLER SYNDROME. Last evaluated: 2006-09-01. Review status: no assertion criteria provided. Collection method: literature only. Allele origin: germline. Not counted in ClinVar's aggregate classification.

Literature cited by the submitters: PubMed 10835629 (cited by Labcorp Genetics (formerly Invitae), Labcorp); PubMed 23249834 (cited by Labcorp Genetics (formerly Invitae), Labcorp); PubMed 23584127 (cited by Labcorp Genetics (formerly Invitae), Labcorp); PubMed 16922728 (cited by OMIM); PubMed 15854031 (cited by OMIM).

NM_001378743.1(CYLD):c.2806C>T (p.Arg936Ter)

Genes: CYLD (CYLD lysine 63 deubiquitinase; plus strand), CYLD-AS2 (CYLD antisense RNA 2; minus strand). Cytogenetic location: 16q12.1.
Variant type: single nucleotide variant.
Coding change: c.2806C>T on transcript NM_001378743.1 (MANE Select); coding-DNA position 2806, C replaced by T.
Protein change: p.Arg936Ter; replaces arginine 936 with a stop codon.
Molecular consequence: nonsense. On other transcripts: non-coding transcript variant (1).
Genome position (GRCh38, 1-based): chr16:50,796,443, C>T. VCF-style: chr16-50796443-C-T. GRCh37 (hg19) VCF-style: chr16-50830354-C-T.
Other names: c.2797C>T, p.Arg933Ter (NM_001042355.2, NM_001042412.3, NM_001378744.1 and 6 more transcripts); c.2131C>T, p.Arg711Ter (NM_001378754.1, NM_001378755.1); c.2806C>T, p.Arg936Ter (NM_015247.3); c.2767C>T, p.Arg923Ter (NM_001378751.1, NM_001378752.1, NM_001378753.1); short protein forms R936*, R933*, R711*, R923*.
Identifiers: ClinVar variation 5259 (VCV000005259.8), dbSNP rs121908390, ClinGen allele CA214928.
Genomic context (GRCh38, chr16:50,796,443, plus strand): 5'-TTGAAGATGTCTCTGGAAGACCTGCATTCCTTGGACTCCAGGAGAATCCAAGGCTGTGCA[C>T]GAAGACTGCTTTGTGATGCATATATGTGCATGTACCAGAGTCCAACAATGAGTTTGTACA-3'